The following is an entry in ClinVar:

ClinVar aggregate classification (germline): Likely pathogenic (0 of 4 stars; one submission).

Conditions:
Coffin-Siris syndrome 12. Identifiers: MedGen C5444111, MONDO:0025699, OMIM 619325.

Submission:

Diagnostics Centre, Carl Von Ossietzky University Oldenburg
Classification: Likely pathogenic for Coffin-Siris syndrome 12. Last evaluated: 2023-11-16. Review status: no assertion criteria provided. Collection method: clinical testing. Allele origin: germline. Affected: yes. Observed: 1 variant allele.
Comment: The variant BICRA:c.3246delC, p.(Cys1083Valfs*63), which is located in the coding exon 11 of BICRA gene, results from the deletion of a guanine at nucleotide position c.3246. The variant causes a frameshift that results in the replace of a cysteine residue by a valine at protein position 1083, followed by a premature translation stop codon after 63 amino acids. The variant affects an exon (11/15) present in a biologically relevant transcript and is predicted to cause protein truncation/absent due to non-sense mediated decay in a gene where loss-of-function is a known mechanism of disease. The variant is classified as very rare in the overall population (no carriers in gnomAD V.4.1.0). In summary, the variant is classified as Likely pathogenic.

NM_001394372.1(BICRA):c.3246del (p.Cys1083fs)

Gene: BICRA (BRD4 interacting chromatin remodeling complex associated protein; plus strand). Cytogenetic location: 19q13.33.
Variant type: Deletion.
Coding change: c.3246del on transcript NM_001394372.1 (MANE Select); coding-DNA position 3246, one base deleted (C; older notation c.3246delC).
Protein change: p.Cys1083fs; shifts the reading frame from cysteine 1083.
Molecular consequence: frameshift variant.
Genome position (GRCh38, 1-based): chr19:47,696,510, C deleted; the last of 2 consecutive C bases (chr19:47,696,509-47,696,510); deleting either gives the same sequence. VCF-style (leftmost placement, unchanged base first): chr19-47696508-GC-G. GRCh37 (hg19) VCF-style: chr19-48199765-GC-G.
Other names: c.3246del, p.Cys1083fs (NM_015711.3); c.3246delC (NM_015711.3); short protein forms C1083fs.
Identifiers: ClinVar variation 3238657 (VCV003238657.2), dbSNP rs2514130905.
Genomic context (GRCh38, chr19:47,696,508, plus strand): 5'-CAGTATGAGAGCAAACTGAGTGGCCTGAAGAAGCCCCCCACGCTTCAGCCCAGCAAGGAA[GC>G]CTGGTGAGTCCACACCCCATCCTTGCATGCCTGCCCTGTACCTTCCAGAGACCTGGGGGA-3'